The following is an entry in ClinVar:

NM_005359.6(SMAD4):c.1392C>T (p.Ala464=)

Gene: SMAD4 (SMAD family member 4; plus strand). Cytogenetic location: 18q21.2.
Variant type: single nucleotide variant.
Coding change: c.1392C>T on transcript NM_005359.6 (MANE Select); coding-DNA position 1392, C replaced by T.
Protein change: p.Ala464=; no amino-acid change (alanine 464 retained).
Molecular consequence: synonymous variant.
Genome position (GRCh38, 1-based): chr18:51,076,721, C>T. VCF-style: chr18-51076721-C-T. GRCh37 (hg19) VCF-style: chr18-48603091-C-T.
Identifiers: ClinVar variation 132745 (VCV000132745.58), dbSNP rs140487104, ClinGen allele CA187373.
Genomic context (GRCh38, chr18:51,076,721, plus strand): 5'-TCGACAGATGCAGCAGCAGGCGGCTACTGCACAAGCTGCAGCAGCTGCCCAGGCAGCAGC[C>T]GTGGCAGGAAACATCCCTGGCCCAGGATCAGTAGGTGGAATAGCTCCAGCTATCAGTAAG-3'
Protein context (NP_005350.1, residues 454-474): AQAAAAAQAA[Ala464=]VAGNIPGPGS

ClinVar aggregate classification (germline): Benign/Likely benign. Review status: criteria provided, multiple submitters, no conflicts (2 of 4 stars). 19 submissions from 17 submitters: Benign (6); Likely benign (11). 2 of the submissions do not count toward it. Last evaluated 2026-08-01.

Conditions:
Juvenile polyposis/hereditary hemorrhagic telangiectasia syndrome (JPHT). Also called: Juvenile Polyposis Syndrome / Hereditary Hemorrhagic Telangiectasia (JPS/HHT); JP/HHT SYNDROME; JUVENILE POLYPOSIS WITH HEREDITARY HEMORRHAGIC TELANGIECTASIA; POLYPOSIS, GENERALIZED JUVENILE, WITH PULMONARY ARTERIOVENOUS MALFORMATION; TELANGIECTASIA, HEREDITARY HEMORRHAGIC, WITH JUVENILE POLYPOSIS COLI. Identifiers: Orphanet 2929, MedGen C1832942, MONDO:0008278, OMIM 175050.
Familial pancreatic carcinoma. Identifiers: Orphanet 1333, MedGen C2931038, MONDO:0015278, OMIM 260350.
Myhre syndrome (MYHRS). Also called: LARYNGOTRACHEAL STENOSIS, ARTHROPATHY, PROGNATHISM, AND SHORT STATURE; LAPS SYNDROME. Identifiers: Orphanet 2588, MedGen C0796081, MONDO:0007688, OMIM 139210.
Juvenile polyposis syndrome (JPS). Identifiers: Orphanet 2929, MedGen C0345893, MONDO:0017380, OMIM 174900.
Hereditary cancer-predisposing syndrome. Also called: Neoplastic Syndromes, Hereditary; Tumor predisposition; Hereditary neoplastic syndrome; Hereditary Cancer Syndrome. Identifiers: Orphanet 140162, MedGen C0027672, MeSH D009386, MONDO:0015356.
Familial thoracic aortic aneurysm and aortic dissection (TAAD). Also called: Thoracic aortic aneurysms and dissections. Identifiers: Orphanet 91387, MedGen C4707243, MONDO:0019625.
Generalized juvenile polyposis/juvenile polyposis coli. Also called: Juvenile polyposis coli. Identifiers: Orphanet 329971, MedGen C1868081, MONDO:0008276.

Allele frequency attached by ClinVar (database versions not stated): TOPMed 0.00045; 1000 Genomes Project 30x 0.00047; ExAC 0.00018; gnomAD exomes 0.00029; gnomAD 0.00030 and 0.00033; ESP Exome Variant Server 0.00031; 1000 Genomes Project 0.00040.
gnomAD v4.1: 408 of 1,613,072 alleles (0.025%); highest among the groups gnomAD compares: Admixed American, 0.14%; no homozygotes.

Submissions (19):

CeGaT Center for Human Genetics Tuebingen
Classification: Likely benign. Last evaluated: 2026-08-01. Review status: criteria provided, single submitter. Criteria: CeGaT Center For Human Genetics Tuebingen Variant Classification Criteria Version 2. Collection method: clinical testing. Allele origin: germline. Affected: yes. Observed: 9 variant alleles.
Comment: SMAD4: BP4, BP7, BS1

Labcorp Genetics (formerly Invitae), Labcorp
Classification: Benign for Juvenile polyposis syndrome. Last evaluated: 2026-02-03. Review status: criteria provided, single submitter. Criteria: Invitae Variant Classification Sherloc (09022015). Collection method: clinical testing. Allele origin: germline.

Molecular Diagnostic Laboratory for Inherited Cardiovascular Disease, Montreal Heart Institute
Classification: Likely benign. Last evaluated: 2025-04-09. Review status: criteria provided, single submitter. Criteria: ACMG Guidelines, 2015. Collection method: clinical testing. Allele origin: germline. Affected: no.
Comment: BS1;BP7

Myriad Genetics, Inc.
Classification: Benign for Juvenile polyposis/hereditary hemorrhagic telangiectasia syndrome. Last evaluated: 2025-03-24. Review status: criteria provided, single submitter. Criteria: Myriad Autosomal Dominant, Autosomal Recessive and X-Linked Classification Criteria (2023). Collection method: clinical testing. Allele origin: unknown.
Comment: This variant is considered benign. This variant is a silent/synonymous amino acid change and it is not expected to impact splicing.

Center for Genomic Medicine, Rigshospitalet, Copenhagen University Hospital
Classification: Likely benign. Last evaluated: 2025-03-04. Review status: criteria provided, single submitter. Criteria: ACMG Guidelines, 2015. Collection method: clinical testing. Allele origin: germline.

Blueprint Genetics
Classification: Likely benign. Last evaluated: 2024-03-05. Review status: criteria provided, single submitter. Criteria: ACMG Guidelines, 2015. Collection method: clinical testing. Allele origin: germline.

Quest Diagnostics Nichols Institute San Juan Capistrano
Classification: Benign. Last evaluated: 2022-01-04. Review status: criteria provided, single submitter. Criteria: Quest Diagnostics criteria. Collection method: clinical testing. Allele origin: unknown.

Sema4
Classification: Benign for Hereditary cancer-predisposing syndrome. Last evaluated: 2020-12-01. Review status: criteria provided, single submitter. Criteria: Sema4 Curation Guidelines. Collection method: curation. Allele origin: germline.

Department of Pathology and Laboratory Medicine, Sinai Health System
Classification: Likely benign for Myhre syndrome; Juvenile polyposis syndrome; Juvenile polyposis/hereditary hemorrhagic telangiectasia syndrome; Familial pancreatic carcinoma. Last evaluated: 2020-10-08. Review status: criteria provided, single submitter. Criteria: ACMG Guidelines, 2015. Collection method: clinical testing. Allele origin: germline. Affected: yes.

Illumina Laboratory Services, Illumina
Classification: Likely benign for Juvenile polyposis syndrome. Last evaluated: 2018-01-13. Review status: criteria provided, single submitter. Criteria: ICSL Variant Classification Criteria 13 December 2019. Collection method: clinical testing. Allele origin: germline.
Comment: This variant was observed in the ICSL laboratory as part of a predisposition screen in an ostensibly healthy population. It had not been previously curated by ICSL or reported in the Human Gene Mutation Database (HGMD: prior to June 1st, 2018), and was therefore a candidate for classification through an automated scoring system. Utilizing variant allele frequency, disease prevalence and penetrance estimates, and inheritance mode, an automated score was calculated to assess if this variant is too frequent to cause the disease. Based on the score and internal cut-off values, a variant classified as likely benign is not then subjected to further curation. The score for this variant resulted in a classification of likely benign for this disease.

Illumina Laboratory Services, Illumina
Classification: Benign for Myhre syndrome. Last evaluated: 2018-01-13. Review status: criteria provided, single submitter. Criteria: ICSL Variant Classification Criteria 13 December 2019. Collection method: clinical testing. Allele origin: germline.
Comment: This variant was observed in the ICSL laboratory as part of a predisposition screen in an ostensibly healthy population. It had not been previously curated by ICSL or reported in the Human Gene Mutation Database (HGMD: prior to June 1st, 2018), and was therefore a candidate for classification through an automated scoring system. Utilizing variant allele frequency, disease prevalence and penetrance estimates, and inheritance mode, an automated score was calculated to assess if this variant is too frequent to cause the disease. Based on the score and internal cut-off values, a variant classified as benign is not then subjected to further curation. The score for this variant resulted in a classification of benign for this disease.

Illumina Laboratory Services, Illumina
Classification: Likely benign for Juvenile polyposis/hereditary hemorrhagic telangiectasia syndrome. Last evaluated: 2018-01-13. Review status: criteria provided, single submitter. Criteria: ICSL Variant Classification Criteria 13 December 2019. Collection method: clinical testing. Allele origin: germline.
Comment: the same text as in the submission from Illumina Laboratory Services, Illumina above.

PreventionGenetics, part of Exact Sciences
Classification: Likely benign. Last evaluated: 2017-09-01. Review status: criteria provided, single submitter. Criteria: ACMG Guidelines, 2015. Collection method: clinical testing. Allele origin: germline.

Color Diagnostics, LLC DBA Color Health
Classification: Likely benign for Hereditary cancer-predisposing syndrome. Last evaluated: 2016-06-13. Review status: criteria provided, single submitter. Criteria: ACMG Guidelines, 2015. Collection method: clinical testing. Allele origin: germline.

Women's Health and Genetics/Laboratory Corporation of America, LabCorp
Classification: Likely benign. Last evaluated: 2016-02-23. Review status: criteria provided, single submitter. Criteria: LabCorp Variant Classification Summary - May 2015. Collection method: clinical testing. Allele origin: germline.

GeneDx
Classification: Benign. Last evaluated: 2015-05-11. Review status: criteria provided, single submitter. Criteria: GeneDx Variant Classification (06012015). Collection method: clinical testing. Allele origin: germline. Affected: yes.
Comment: This variant is considered likely benign or benign based on one or more of the following criteria: it is a conservative change, it occurs at a poorly conserved position in the protein, it is predicted to be benign by multiple in silico algorithms, and/or has population frequency not consistent with disease.

Ambry Genetics
Classification: Likely benign for Hereditary cancer-predisposing syndrome; Familial thoracic aortic aneurysm and aortic dissection. Last evaluated: 2014-08-13. Review status: criteria provided, single submitter. Criteria: Ambry Variant Classification Scheme 2023. Collection method: clinical testing. Allele origin: germline.

Clinical Genetics DNA and cytogenetics Diagnostics Lab, Erasmus MC, Erasmus Medical Center
Classification: Likely benign. Review status: no assertion criteria provided. Collection method: clinical testing. Allele origin: germline. Affected: yes. Study: VKGL Data-share Consensus. Not counted in ClinVar's aggregate classification.

Genome Diagnostics Laboratory, University Medical Center Utrecht
Classification: Benign. Review status: no assertion criteria provided. Collection method: clinical testing. Allele origin: germline. Affected: yes. Study: VKGL Data-share Consensus. Not counted in ClinVar's aggregate classification.